The following is an entry in ClinVar:

ClinVar aggregate classification (germline): Uncertain significance (1 of 4 stars; one submission).

Submission:

Labcorp Genetics (formerly Invitae), Labcorp
Classification: Uncertain significance. Last evaluated: 2024-06-14. Review status: criteria provided, single submitter. Criteria: Invitae Variant Classification Sherloc (09022015). Collection method: clinical testing. Allele origin: germline.
Comment: This sequence change replaces phenylalanine, which is neutral and non-polar, with cysteine, which is neutral and slightly polar, at codon 390 of the LZTR1 protein (p.Phe390Cys). This variant is not present in population databases (gnomAD no frequency). This variant has not been reported in the literature in individuals affected with LZTR1-related conditions. Advanced modeling of protein sequence and biophysical properties (such as structural, functional, and spatial information, amino acid conservation, physicochemical variation, residue mobility, and thermodynamic stability) performed at Invitae indicates that this missense variant is not expected to disrupt LZTR1 protein function with a negative predictive value of 80%. In summary, the available evidence is currently insufficient to determine the role of this variant in disease. Therefore, it has been classified as a Variant of Uncertain Significance.

NM_006767.4(LZTR1):c.1169T>G (p.Phe390Cys)

Gene: LZTR1 (leucine zipper like post translational regulator 1; plus strand). Cytogenetic location: 22q11.21.
Variant type: single nucleotide variant.
Coding change: c.1169T>G on transcript NM_006767.4 (MANE Select); coding-DNA position 1169, T replaced by G.
Protein change: p.Phe390Cys; replaces phenylalanine 390 with cysteine.
Molecular consequence: missense variant.
Genome position (GRCh38, 1-based): chr22:20,992,813, T>G. VCF-style: chr22-20992813-T-G. GRCh37 (hg19) VCF-style: chr22-21347102-T-G.
Other names: short protein forms F390C.
Identifiers: ClinVar variation 3655679 (VCV003655679.2).